The following is an entry in ClinVar:

ClinVar aggregate classification (germline): Uncertain significance (1 of 4 stars; one submission).

Submission:

Ambry Genetics
Classification: Uncertain significance. Last evaluated: 2022-12-21. Review status: criteria provided, single submitter. Criteria: Ambry Variant Classification Scheme 2023. Collection method: clinical testing. Allele origin: germline.
Comment: The p.K22N variant (also known as c.66G>T), located in coding exon 1 of the ALPK2 gene, results from a G to T substitution at nucleotide position 66. The lysine at codon 22 is replaced by asparagine, an amino acid with similar properties. This amino acid position is conserved. In addition, this alteration is predicted to be tolerated by in silico analysis. Since supporting evidence is limited at this time, the clinical significance of this alteration remains unclear.

NM_052947.4(ALPK2):c.66G>T (p.Lys22Asn)

Gene: ALPK2 (alpha kinase 2; minus strand). Cytogenetic location: 18q21.32.
Variant type: single nucleotide variant.
Coding change: c.66G>T on transcript NM_052947.4 (MANE Select); coding-DNA position 66, G replaced by T.
Protein change: p.Lys22Asn; replaces lysine 22 with asparagine.
Molecular consequence: missense variant.
Genome position (GRCh38, 1-based): chr18:58,611,732, C>A on the plus strand (G>T on the coding strand, the complement: ALPK2 is on the minus strand). VCF-style: chr18-58611732-C-A. GRCh37 (hg19) VCF-style: chr18-56278964-C-A.
Other names: short protein forms K22N.
Identifiers: ClinVar variation 2449236 (VCV002449236.2), dbSNP rs2518915306, ClinGen allele CA402558022.